The following is an entry in ClinVar:

NM_024596.5(MCPH1):c.2214+13853A>G

Genes: ANGPT2 (angiopoietin 2; minus strand), MCPH1 (microcephalin 1; plus strand). Cytogenetic location: 8p23.1.
Variant type: single nucleotide variant.
Coding change: c.2214+13853A>G on transcript NM_024596.5 (MANE Select); 13853 bases into the intron after coding-DNA position 2214, A replaced by G.
Molecular consequence: intron variant. On other transcripts: synonymous variant (6).
Genome position (GRCh38, 1-based): chr8:6,513,782, A>G. VCF-style: chr8-6513782-A-G. GRCh37 (hg19) VCF-style: chr8-6371303-A-G.
Other names: c.1092T>C, p.Asn364= (NM_001118887.2, NM_001386337.1); c.939T>C, p.Asn313= (NM_001118888.2); c.1095T>C, p.Asn365= (NM_001147.3, NM_001386336.1); c.936T>C, p.Asn312= (NM_001386335.1); c.2214+13853A>G (NM_001322042.2, NM_001363979.1, NM_001410917.1 and 1 more transcripts); c.1935+58530A>G (NM_001363980.2).
Identifiers: ClinVar variation 158836 (VCV000158836.7), dbSNP rs17063434, ClinGen allele CA172504.

ClinVar aggregate classification (germline): Benign. Review status: criteria provided, single submitter (1 of 4 stars). 2 submissions from 2 submitters: Benign (1). 1 of the submissions does not count toward it.

Allele frequency attached by ClinVar (database versions not stated): 1000 Genomes Project 0.04433; 1000 Genomes Project 30x 0.04497; ExAC 0.05214; TOPMed 0.05847; gnomAD 0.06133 and 0.06336; ESP Exome Variant Server 0.06412.
gnomAD v4.1: 91,168 of 1,613,782 alleles (5.6%); highest among the groups gnomAD compares: African/African-American, 8.1%; 2,748 homozygotes.

Submissions (2):

Breakthrough Genomics
Classification: Benign. Review status: criteria provided, single submitter. Criteria: ACMG Guidelines, 2015. Collection method: not provided. Allele origin: germline. Inheritance: Autosomal recessive inheritance. Affected: yes.

Genetic Services Laboratory, University of Chicago
Classification: Likely benign. Review status: no assertion criteria provided. Collection method: clinical testing. Allele origin: germline. Inheritance: Autosomal recessive inheritance. Not counted in ClinVar's aggregate classification.
Comment: Likely benign based on allele frequency in 1000 Genomes Project or ESP global frequency and its presence in a patient with a rare or unrelated disease phenotype. NOT Sanger confirmed